The following is an entry in ClinVar:

ClinVar aggregate classification (germline): Pathogenic (1 of 4 stars; one submission).

Conditions:
Autism (AUTS). Also called: Autistic disorder; Autistic disorder of childhood onset. Identifiers: MedGen C0004352, MeSH D001321, MONDO:0005260, OMIM 209850, HP:0000717.
Delayed speech and language development. Also called: Language delay. Identifiers: MedGen C0454644, HP:0000750.
Intellectual disability. Also called: Intellectual functioning disability; intellectual disabilities; Intellectual developmental disorder. Identifiers: MedGen C3714756, MeSH D008607, MONDO:0001071, HP:0001249.

Submission:

Clinical Genetics Laboratory, Skane University Hospital Lund
Classification: Pathogenic for Autism; Intellectual disability; Delayed speech and language development. Last evaluated: 2026-05-08. Review status: criteria provided, single submitter. Criteria: ACMG Guidelines, 2015. Collection method: clinical testing. Allele origin: de novo. Affected: yes.
Comment: ACMG criteria used: PVS1, PS2_Moderate and PM2

NM_001007553.3(CSDE1):c.2280dup (p.Thr761fs)

Gene: CSDE1 (cold shock domain containing E1; minus strand). Cytogenetic location: 1p13.2.
Variant type: Duplication.
Coding change: c.2280dup on transcript NM_001007553.3 (MANE Select); coding-DNA position 2280, one base duplicated (C; older notation c.2280dupC).
Protein change: p.Thr761fs; shifts the reading frame from threonine 761.
Molecular consequence: frameshift variant.
Genome position (GRCh38, 1-based): chr1:114,718,682, G duplicated on the plus strand (C on the coding strand, the reverse complement: CSDE1 is on the minus strand). VCF-style (leftmost placement, unchanged base first): chr1-114718681-T-TG. GRCh37 (hg19) VCF-style: chr1-115261302-T-TG.
Other names: c.2325dup, p.Thr776fs (NM_001130523.3); c.2418dup, p.Thr807fs (NM_001242891.2); c.2280dup, p.Thr761fs (NM_001242892.2); c.2187dup, p.Thr730fs (NM_001242893.2, NM_007158.6); short protein forms T730fs, T761fs, T776fs, T807fs.
Identifiers: ClinVar variation 4849938 (VCV004849938.1).